The following is an entry in ClinVar:

ClinVar aggregate classification (germline): Uncertain significance (1 of 4 stars; one submission).

Conditions:
Hereditary cancer-predisposing syndrome. Also called: Neoplastic Syndromes, Hereditary; Tumor predisposition; Hereditary neoplastic syndrome; Hereditary Cancer Syndrome. Identifiers: Orphanet 140162, MedGen C0027672, MeSH D009386, MONDO:0015356.
Cardiovascular phenotype. Identifiers: MedGen CN230736.

Allele frequency attached by ClinVar (database versions not stated): gnomAD exomes below 0.00001.

Submission:

Ambry Genetics
Classification: Uncertain significance for Cardiovascular phenotype; Hereditary cancer-predisposing syndrome. Last evaluated: 2023-04-18. Review status: criteria provided, single submitter. Criteria: Ambry Variant Classification Scheme 2023. Collection method: clinical testing. Allele origin: germline.
Comment: The p.E438A variant (also known as c.1313A>C), located in coding exon 12 of the LZTR1 gene, results from an A to C substitution at nucleotide position 1313. The glutamic acid at codon 438 is replaced by alanine, an amino acid with dissimilar properties. This amino acid position is conserved. In addition, the in silico prediction for this alteration is inconclusive. Since supporting evidence is limited at this time, the clinical significance of this alteration remains unclear.

NM_006767.4(LZTR1):c.1313A>C (p.Glu438Ala)

Gene: LZTR1 (leucine zipper like post translational regulator 1; plus strand). Cytogenetic location: 22q11.21.
Variant type: single nucleotide variant.
Coding change: c.1313A>C on transcript NM_006767.4 (MANE Select); coding-DNA position 1313, A replaced by C.
Protein change: p.Glu438Ala; replaces glutamic acid 438 with alanine.
Molecular consequence: missense variant.
Genome position (GRCh38, 1-based): chr22:20,993,714, A>C. VCF-style: chr22-20993714-A-C. GRCh37 (hg19) VCF-style: chr22-21348003-A-C.
Other names: short protein forms E438A.
Identifiers: ClinVar variation 3238057 (VCV003238057.1), dbSNP rs2518620001.